The following is an entry in ClinVar:

NM_021076.4(NEFH):c.1321G>A (p.Glu441Lys)

Gene: NEFH (neurofilament heavy chain; plus strand). Cytogenetic location: 22q12.2.
Variant type: single nucleotide variant.
Coding change: c.1321G>A on transcript NM_021076.4 (MANE Select); coding-DNA position 1321, G replaced by A.
Protein change: p.Glu441Lys; replaces glutamic acid 441 with lysine.
Molecular consequence: missense variant.
Genome position (GRCh38, 1-based): chr22:29,488,961, G>A. VCF-style: chr22-29488961-G-A. GRCh37 (hg19) VCF-style: chr22-29884950-G-A.
Other names: c.1321G>A (NM_021076.3); short protein forms E441K.
Identifiers: ClinVar variation 1376129 (VCV001376129.36), dbSNP rs145061116, ClinGen allele CA10174188.
Genomic context (GRCh38, chr22:29,488,961, plus strand): 5'-TCGCTTCCAGAAGGACTCCCCAAAATTCCCTCTGTGTCCACTCACATAAAGGTGAAAAGC[G>A]AAGAGAAGATCAAAGTGGTGGAGAAGTCTGAGAAAGAAACTGTGATTGTGGAGGAACAGA-3'
Protein context (NP_066554.2, residues 431-451): SVSTHIKVKS[Glu441Lys]EKIKVVEKSE

ClinVar aggregate classification (germline): Conflicting classifications of pathogenicity. Review status: criteria provided, conflicting classifications (1 of 4 stars). 4 submissions from 4 submitters: Uncertain significance (1); Likely benign (1). 2 of the submissions do not count toward it. Last evaluated 2025-09-10.

Conditions:
NEFH-related disorder. Also called: NEFH-related condition.
Amyotrophic lateral sclerosis (ALS). Also called: Charcot disease; Lou Gehrig disease. Identifiers: Orphanet 803, MedGen C0002736, MONDO:0004976, HP:0007354.
Inborn genetic diseases. Identifiers: MedGen C0950123, MeSH D030342.

Allele frequency attached by ClinVar (database versions not stated): ExAC 0.00007; gnomAD exomes 0.00007; TOPMed 0.00008; gnomAD 0.00010 and 0.00011; ESP Exome Variant Server 0.00023.
gnomAD v4.1: 54 of 1,614,056 alleles (0.0033%); highest among the groups gnomAD compares: Middle Eastern, 0.033%; no homozygotes.

Submissions (4):

Labcorp Genetics (formerly Invitae), Labcorp
Classification: Uncertain significance. Last evaluated: 2025-09-10. Review status: criteria provided, single submitter. Criteria: Invitae Variant Classification Sherloc (09022015). Collection method: clinical testing. Allele origin: germline.
Comment: This sequence change replaces glutamic acid, which is acidic and polar, with lysine, which is basic and polar, at codon 441 of the NEFH protein (p.Glu441Lys). This variant is present in population databases (rs145061116, gnomAD 0.02%). This missense change has been observed in individual(s) with amyotrophic lateral sclerosis (PMID: 36549973). ClinVar contains an entry for this variant (Variation ID: 1376129). Invitae Evidence Modeling of protein sequence and biophysical properties (such as structural, functional, and spatial information, amino acid conservation, physicochemical variation, residue mobility, and thermodynamic stability) indicates that this missense variant is not expected to disrupt NEFH protein function with a negative predictive value of 95%. In summary, the available evidence is currently insufficient to determine the role of this variant in disease. Therefore, it has been classified as a Variant of Uncertain Significance.

Ambry Genetics
Classification: Likely benign for Inborn genetic diseases. Last evaluated: 2020-09-10. Review status: criteria provided, single submitter. Criteria: Ambry Variant Classification Scheme 2023. Collection method: clinical testing. Allele origin: germline.

PreventionGenetics, part of Exact Sciences
Classification: Uncertain significance for NEFH-related condition. Last evaluated: 2024-06-06. Review status: no assertion criteria provided. Collection method: clinical testing. Allele origin: germline. Not counted in ClinVar's aggregate classification.
Comment: The NEFH c.1321G>A variant is predicted to result in the amino acid substitution p.Glu441Lys. This variant was reported in an individual with amyotrophic lateral sclerosis (Farrugia Wismayer et al. 2023. PubMed ID: 36549973). This variant is reported in 0.032% of alleles in individuals of African descent in gnomAD and has conflicting interpretations in ClinVar ranging from uncertain to likely benign. At this time, the clinical significance of this variant is uncertain due to the absence of conclusive functional and genetic evidence.

UM ALS/MND Lab, University Of Malta
Classification: Uncertain significance for Amyotrophic lateral sclerosis. Last evaluated: 2022-07-01. Review status: no assertion criteria provided. Collection method: research. Allele origin: unknown. Inheritance: Sporadic. Affected: yes. Observed: 1 heterozygote. Not counted in ClinVar's aggregate classification.

Literature cited by the submitters: PubMed 36549973 (cited by Labcorp Genetics (formerly Invitae), Labcorp).